The following is an entry in ClinVar:

ClinVar aggregate classification (germline): Uncertain significance. Review status: criteria provided, multiple submitters, no conflicts (2 of 4 stars). 4 submissions from 4 submitters: Uncertain significance (4). Last evaluated 2023-08-04.

Conditions:
Inborn genetic diseases. Identifiers: MedGen C0950123, MeSH D030342.
Phosphoenolpyruvate carboxykinase deficiency, cytosolic (PCKDC). Also called: PCK1 DEFICIENCY, CYTOSOLIC; PEPCK DEFICIENCY, CYTOSOLIC. Identifiers: Orphanet 2880, MedGen C5574905, MONDO:0009866, OMIM 261680.

Allele frequency attached by ClinVar (database versions not stated): gnomAD exomes 0.00049 and 0.00025; ESP Exome Variant Server 0.00069; ExAC 0.00019; gnomAD 0.00043 and 0.00044; TOPMed 0.00043.
gnomAD v4.1: 791 of 1,613,876 alleles (0.049%); highest among the groups gnomAD compares: Non-Finnish European, 0.061%; 1 homozygote.

Submissions (4):

Ambry Genetics
Classification: Uncertain significance for Inborn genetic diseases. Last evaluated: 2023-08-04. Review status: criteria provided, single submitter. Criteria: Ambry Variant Classification Scheme 2023. Collection method: clinical testing. Allele origin: germline.

Labcorp Genetics (formerly Invitae), Labcorp
Classification: Uncertain significance. Last evaluated: 2022-08-20. Review status: criteria provided, single submitter. Criteria: Invitae Variant Classification Sherloc (09022015). Collection method: clinical testing. Allele origin: germline.
Comment: This sequence change replaces serine, which is neutral and polar, with glycine, which is neutral and non-polar, at codon 22 of the PCK1 protein (p.Ser22Gly). This variant is present in population databases (rs140235265, gnomAD 0.05%). This variant has not been reported in the literature in individuals affected with PCK1-related conditions. ClinVar contains an entry for this variant (Variation ID: 896030). Algorithms developed to predict the effect of missense changes on protein structure and function output the following: SIFT: "Tolerated"; PolyPhen-2: "Benign"; Align-GVGD: "Class C0". The glycine amino acid residue is found in multiple mammalian species, which suggests that this missense change does not adversely affect protein function. In summary, the available evidence is currently insufficient to determine the role of this variant in disease. Therefore, it has been classified as a Variant of Uncertain Significance.

Revvity Omics, Revvity
Classification: Uncertain significance for Phosphoenolpyruvate carboxykinase deficiency, cytosolic. Last evaluated: 2020-11-06. Review status: criteria provided, single submitter. Criteria: ACMG Guidelines, 2015. Collection method: clinical testing. Allele origin: germline.

Illumina Laboratory Services, Illumina
Classification: Uncertain significance for Phosphoenolpyruvate carboxykinase deficiency, cytosolic. Last evaluated: 2018-01-12. Review status: criteria provided, single submitter. Criteria: ICSL Variant Classification Criteria 13 December 2019. Collection method: clinical testing. Allele origin: germline.

NM_002591.4(PCK1):c.64A>G (p.Ser22Gly)

Gene: PCK1 (phosphoenolpyruvate carboxykinase 1; plus strand). Cytogenetic location: 20q13.31.
Variant type: single nucleotide variant.
Coding change: c.64A>G on transcript NM_002591.4 (MANE Select); coding-DNA position 64, A replaced by G.
Protein change: p.Ser22Gly; replaces serine 22 with glycine.
Molecular consequence: missense variant.
Genome position (GRCh38, 1-based): chr20:57,561,475, A>G. VCF-style: chr20-57561475-A-G. GRCh37 (hg19) VCF-style: chr20-56136531-A-G.
Other names: short protein forms S22G.
Identifiers: ClinVar variation 896030 (VCV000896030.10), dbSNP rs140235265, ClinGen allele CA9921882.